The following is an entry in ClinVar:

ClinVar aggregate classification (germline): Conflicting classifications of pathogenicity. Review status: criteria provided, conflicting classifications (1 of 4 stars). 2 submissions from 2 submitters: Uncertain significance (1); Likely benign (1). Last evaluated 2025-09-23.

Conditions:
Hereditary spastic paraplegia 30. Identifiers: Orphanet 101010, MedGen C5235139, MONDO:0012476.
Neuropathy, hereditary sensory, type 2C. Also called: Hereditary sensory and autonomic neuropathy type IIC; KIF1A-Related HSAN2 (HSAN2C). Identifiers: Orphanet 970, MedGen C3280168, MONDO:0013634, OMIM 614213.
Intellectual disability, autosomal dominant 9 (NESCAVS). Also called: NESCAV SYNDROME; KIF1A-Related Neurodevelopmental Disorder. Identifiers: Orphanet 662367, MedGen C5393830, MONDO:0013656, OMIM 614255.
KIF1A-related disorder. Also called: KIF1A-related disorders; KIF1A-related condition.

gnomAD v4.1: 6 of 1,610,500 alleles (0.00037%); highest among the groups gnomAD compares: Non-Finnish European, 0.00042%; no homozygotes.

Submissions (2):

Labcorp Genetics (formerly Invitae), Labcorp
Classification: Likely benign for Hereditary spastic paraplegia 30; Neuropathy, hereditary sensory, type 2C; Intellectual disability, autosomal dominant 9. Last evaluated: 2025-09-23. Review status: criteria provided, single submitter. Criteria: Invitae Variant Classification Sherloc (09022015). Collection method: clinical testing. Allele origin: germline.

PreventionGenetics, part of Exact Sciences
Classification: Uncertain significance for KIF1A-related condition. Last evaluated: 2023-03-14. Review status: criteria provided, single submitter. Criteria: ACMG Guidelines, 2015. Collection method: clinical testing. Allele origin: germline.
Comment: The KIF1A c.4208G>T variant is predicted to result in the amino acid substitution p.Arg1403Leu. To our knowledge, this variant has not been reported in the literature. This variant is reported in 0.00091% of alleles in individuals of European (Non-Finnish) descent in gnomAD. At this time, the clinical significance of this variant is uncertain due to the absence of conclusive functional and genetic evidence.

NM_001244008.2(KIF1A):c.4208G>T (p.Arg1403Leu)

Gene: KIF1A (kinesin family member 1A; minus strand). Cytogenetic location: 2q37.3.
Variant type: single nucleotide variant.
Coding change: c.4208G>T on transcript NM_001244008.2 (MANE Select); coding-DNA position 4208, G replaced by T.
Protein change: p.Arg1403Leu; replaces arginine 1403 with leucine.
Molecular consequence: missense variant.
Genome position (GRCh38, 1-based): chr2:240,725,319, C>A on the plus strand (G>T on the coding strand, the complement: KIF1A is on the minus strand). VCF-style: chr2-240725319-C-A. GRCh37 (hg19) VCF-style: chr2-241664736-C-A.
Other names: c.3932G>T, p.Arg1311Leu (NM_001320705.2, NM_001379649.1); c.3959G>T, p.Arg1320Leu (NM_001330289.2); c.4007G>T, p.Arg1336Leu (NM_001330290.2, NM_001379648.1); c.4283G>T, p.Arg1428Leu (NM_001379631.1); c.4184G>T, p.Arg1395Leu (NM_001379632.1); c.4181G>T, p.Arg1394Leu (NM_001379633.1, NM_001379645.1); c.4034G>T, p.Arg1345Leu (NM_001379634.1); c.4031G>T, p.Arg1344Leu (NM_001379635.1, NM_001379646.1); and 7 more; short protein forms R1301L, R1302L, R1319L, R1336L, R1403L, R1428L, R1320L, R1310L.
Identifiers: ClinVar variation 2039874 (VCV002039874.5), dbSNP rs537708830, ClinGen allele CA2207464.